The following is an entry in ClinVar:

ClinVar aggregate classification (germline): Likely pathogenic (1 of 4 stars; one submission).

Submission:

Labcorp Genetics (formerly Invitae), Labcorp
Classification: Likely pathogenic. Last evaluated: 2023-03-20. Review status: criteria provided, single submitter. Criteria: Invitae Variant Classification Sherloc (09022015). Collection method: clinical testing. Allele origin: germline.
Comment: This variant results in the deletion of part of exon 55 (c.10572-145_10582del) of the LRP2 gene. It is expected to disrupt RNA splicing. Variants that disrupt the donor or acceptor splice site typically lead to a loss of protein function (PMID: 16199547), and loss-of-function variants in LRP2 are known to be pathogenic (PMID: 17632512, 25682901). This variant is not present in population databases (gnomAD no frequency). This variant has not been reported in the literature in individuals affected with LRP2-related conditions. Algorithms developed to predict the effect of sequence changes on RNA splicing suggest that this variant may disrupt the consensus splice site. In summary, the currently available evidence indicates that the variant is pathogenic, but additional data are needed to prove that conclusively. Therefore, this variant has been classified as Likely Pathogenic.

Literature cited by the submitters: PubMed 16199547; PubMed 17632512; PubMed 25682901.

NM_004525.3(LRP2):c.10572-145_10582del

Gene: LRP2 (LDL receptor related protein 2; minus strand). Cytogenetic location: 2q31.1.
Variant type: Deletion.
Coding change: c.10572-145_10582del on transcript NM_004525.3 (MANE Select); 145 bases into the intron before coding-DNA position 10572 through coding-DNA position 10582, 156 bases deleted.
Molecular consequence: splice acceptor variant.
Genome position (GRCh38, 1-based): chr2:169,175,379-169,175,534, 156 bases deleted. GRCh37 (hg19): chr2:170,031,889-170,032,044.
Identifiers: ClinVar variation 2847995 (VCV002847995.3), dbSNP rs2545730946, ClinGen allele CA2739271547.